The following is an entry in ClinVar:

NM_000081.4(LYST):c.6170A>G (p.His2057Arg)

Gene: LYST (lysosomal trafficking regulator; minus strand). Cytogenetic location: 1q42.3.
Variant type: single nucleotide variant.
Coding change: c.6170A>G on transcript NM_000081.4 (MANE Select); coding-DNA position 6170, A replaced by G.
Protein change: p.His2057Arg; replaces histidine 2057 with arginine.
Molecular consequence: missense variant.
Genome position (GRCh38, 1-based): chr1:235,762,803, T>C on the plus strand (A>G on the coding strand, the complement: LYST is on the minus strand). VCF-style: chr1-235762803-T-C. GRCh37 (hg19) VCF-style: chr1-235926103-T-C.
Other names: c.6170A>G, p.His2057Arg (NM_001301365.1); short protein forms H2057R.
Identifiers: ClinVar variation 1015075 (VCV001015075.8), dbSNP rs200175567, ClinGen allele CA1466432.

ClinVar aggregate classification (germline): Uncertain significance (1 of 4 stars; one submission).

Conditions:
Chédiak-Higashi syndrome (CHS). Also called: Chediak-Higashi Syndrome. Identifiers: Orphanet 167, MedGen C0007965, MONDO:0008963, OMIM 214500.

Allele frequency attached by ClinVar (database versions not stated): gnomAD 0.00001; gnomAD exomes 0.00001; ExAC 0.00002; 1000 Genomes Project 30x 0.00016; 1000 Genomes Project 0.00020.
gnomAD v4.1: 12 of 1,613,492 alleles (0.00074%); highest among the groups gnomAD compares: Non-Finnish European, 0.00093%; no homozygotes.

Submission:

Labcorp Genetics (formerly Invitae), Labcorp
Classification: Uncertain significance for Chédiak-Higashi syndrome. Last evaluated: 2020-02-19. Review status: criteria provided, single submitter. Criteria: Invitae Variant Classification Sherloc (09022015). Collection method: clinical testing. Allele origin: germline.
Comment: In summary, the available evidence is currently insufficient to determine the role of this variant in disease. Therefore, it has been classified as a Variant of Uncertain Significance. Algorithms developed to predict the effect of missense changes on protein structure and function output the following: SIFT: "Tolerated"; PolyPhen-2: "Benign"; Align-GVGD: "Class C0". The arginine amino acid residue is found in multiple mammalian species, suggesting that this missense change does not adversely affect protein function. These predictions have not been confirmed by published functional studies and their clinical significance is uncertain. This variant has not been reported in the literature in individuals with LYST-related conditions. This variant is present in population databases (rs200175567, ExAC 0.003%). This sequence change replaces histidine with arginine at codon 2057 of the LYST protein (p.His2057Arg). The histidine residue is moderately conserved and there is a small physicochemical difference between histidine and arginine.